The following is an entry in ClinVar:

ClinVar aggregate classification (germline): Uncertain significance (1 of 4 stars; one submission).

Conditions:
Joubert syndrome 15 (JBTS15). Identifiers: Orphanet 475, MedGen C3280897, MONDO:0013763, OMIM 614464.

Allele frequency attached by ClinVar (database versions not stated): gnomAD exomes below 0.00001.
gnomAD v4.1: 5 of 1,600,146 alleles (0.00031%); highest among the groups gnomAD compares: Non-Finnish European, 0.00043%; no homozygotes.

Submission:

Labcorp Genetics (formerly Invitae), Labcorp
Classification: Uncertain significance for Joubert syndrome 15. Last evaluated: 2022-06-01. Review status: criteria provided, single submitter. Criteria: Invitae Variant Classification Sherloc (09022015). Collection method: clinical testing. Allele origin: germline.
Comment: In summary, the available evidence is currently insufficient to determine the role of this variant in disease. Therefore, it has been classified as a Variant of Uncertain Significance. Algorithms developed to predict the effect of missense changes on protein structure and function (SIFT, PolyPhen-2, Align-GVGD) all suggest that this variant is likely to be tolerated. This variant has not been reported in the literature in individuals affected with CEP41-related conditions. This variant is not present in population databases (gnomAD no frequency). This sequence change replaces aspartic acid, which is acidic and polar, with glycine, which is neutral and non-polar, at codon 322 of the CEP41 protein (p.Asp322Gly).

NM_018718.3(CEP41):c.965A>G (p.Asp322Gly)

Gene: CEP41 (centrosomal protein 41; minus strand). Cytogenetic location: 7q32.2.
Variant type: single nucleotide variant.
Coding change: c.965A>G on transcript NM_018718.3 (MANE Select); coding-DNA position 965, A replaced by G.
Protein change: p.Asp322Gly; replaces aspartic acid 322 with glycine.
Molecular consequence: missense variant. On other transcripts: non-coding transcript variant (1), intron variant (2).
Genome position (GRCh38, 1-based): chr7:130,400,047, T>C on the plus strand (A>G on the coding strand, the complement: CEP41 is on the minus strand). VCF-style: chr7-130400047-T-C. GRCh37 (hg19) VCF-style: chr7-130039888-T-C.
Other names: c.709+660A>G (NM_001257159.2); c.757+660A>G (NM_001257158.2); short protein forms D322G.
Identifiers: ClinVar variation 1920652 (VCV001920652.5), dbSNP rs2117551551, ClinGen allele CA369286908.
Genomic context (GRCh38, chr7:130,400,047, plus strand): 5'-GATATTCAAAGCTGCAAACCAAACATTATCTTTAAAGGTCAAAAGATCTTACTAGGATGA[T>C]CTGCAGGCCCTTGCTCCTCTTCCAGATAATATTCTATCTTTTTTAAGTCTTCTGGGGTAA-3'
Protein context (NP_061188.1, residues 312-332): YYLEEEQGPA[Asp322Gly]HPSRLNQANS